The following is an entry in ClinVar:

ClinVar aggregate classification (germline): Uncertain significance (1 of 4 stars; one submission).

Conditions:
Inborn genetic diseases. Identifiers: MedGen C0950123, MeSH D030342.

gnomAD v4.1: 7 of 1,611,440 alleles (0.00043%); highest among the groups gnomAD compares: South Asian, 0.0077%; no homozygotes.

Submission:

Ambry Genetics
Classification: Uncertain significance for Inborn genetic diseases. Last evaluated: 2025-04-09. Review status: criteria provided, single submitter. Criteria: Ambry Variant Classification Scheme 2023. Collection method: clinical testing. Allele origin: germline.
Comment: The p.L129V variant (also known as c.385C>G), located in coding exon 4 of the CEP57 gene, results from a C to G substitution at nucleotide position 385. The leucine at codon 129 is replaced by valine, an amino acid with highly similar properties. This amino acid position is conserved. In addition, the in silico prediction for this alteration is inconclusive. Based on the available evidence, the clinical significance of this variant remains unclear.

NM_014679.5(CEP57):c.385C>G (p.Leu129Val)

Gene: CEP57 (centrosomal protein 57; plus strand). Cytogenetic location: 11q21.
Variant type: single nucleotide variant.
Coding change: c.385C>G on transcript NM_014679.5 (MANE Select); coding-DNA position 385, C replaced by G.
Protein change: p.Leu129Val; replaces leucine 129 with valine.
Molecular consequence: missense variant.
Genome position (GRCh38, 1-based): chr11:95,813,470, C>G. VCF-style: chr11-95813470-C-G. GRCh37 (hg19) VCF-style: chr11-95546634-C-G.
Other names: c.358C>G, p.Leu120Val (NM_001243776.2); c.385C>G, p.Leu129Val (NM_001243777.2); c.304C>G, p.Leu102Val (NM_001363604.2); short protein forms L129V, L102V, L120V.
Identifiers: ClinVar variation 4001004 (VCV004001004.1).